The following is an entry in ClinVar:

ClinVar aggregate classification (germline): Uncertain significance (1 of 4 stars; one submission).

Conditions:
CHARGE syndrome (CHARGE). Also called: Hittner Hirsch Kreh syndrome; Coloboma, heart anomaly, choanal atresia, retardation, genital and ear anomalies; CHARGE association; Hall-Hittner syndrome; CHARGE ASSOCIATION--COLOBOMA, HEART ANOMALY, CHOANAL ATRESIA, RETARDATION, GENITAL AND EAR ANOMALIES. Identifiers: Orphanet 138, MedGen C0265354, MONDO:0008965.

Submission:

Labcorp Genetics (formerly Invitae), Labcorp
Classification: Uncertain significance for CHARGE syndrome. Last evaluated: 2020-02-17. Review status: criteria provided, single submitter. Criteria: Invitae Variant Classification Sherloc (09022015). Collection method: clinical testing. Allele origin: germline.
Comment: In summary, the available evidence is currently insufficient to determine the role of this variant in disease. Therefore, it has been classified as a Variant of Uncertain Significance. Algorithms developed to predict the effect of missense changes on protein structure and function (SIFT, PolyPhen-2, Align-GVGD) all suggest that this variant is likely to be tolerated, but these predictions have not been confirmed by published functional studies and their clinical significance is uncertain. This sequence change replaces proline with threonine at codon 2029 of the CHD7 protein (p.Pro2029Thr). The proline residue is highly conserved and there is a small physicochemical difference between proline and threonine. This variant is not present in population databases (ExAC no frequency). This variant has not been reported in the literature in individuals with CHD7-related conditions.

NM_017780.4(CHD7):c.6085C>A (p.Pro2029Thr)

Gene: CHD7 (chromodomain helicase DNA binding protein 7; plus strand). Cytogenetic location: 8q12.2.
Variant type: single nucleotide variant.
Coding change: c.6085C>A on transcript NM_017780.4 (MANE Select); coding-DNA position 6085, C replaced by A.
Protein change: p.Pro2029Thr; replaces proline 2029 with threonine.
Molecular consequence: missense variant. On other transcripts: intron variant (1).
Genome position (GRCh38, 1-based): chr8:60,852,688, C>A. VCF-style: chr8-60852688-C-A. GRCh37 (hg19) VCF-style: chr8-61765247-C-A.
Other names: c.1717-9541C>A (NM_001316690.1); short protein forms P2029T.
Identifiers: ClinVar variation 1034863 (VCV001034863.8), dbSNP rs1805506718, ClinGen allele CA371324111.